The following is an entry in ClinVar:

ClinVar aggregate classification (germline): Pathogenic. Review status: criteria provided, multiple submitters, no conflicts (2 of 4 stars). 7 submissions from 7 submitters: Pathogenic (5). 2 of the submissions do not count toward it. Last evaluated 2025-10-06.

Conditions:
PAH-related disorder. Also called: PAH-related condition.
Phenylketonuria (PKU). Also called: Phenylketonuria (PKU); FOLLING DISEASE; OLIGOPHRENIA PHENYLPYRUVICA; Phenylketonurias. Identifiers: Orphanet 716, MedGen C0031485, MONDO:0009861, OMIM 261600. Disease mechanism: loss of function.

gnomAD v4.1: 6 of 1,613,552 alleles (0.00037%); highest among the groups gnomAD compares: Middle Eastern, 0.017%; no homozygotes.

Submissions (7):

Mayo Clinic Laboratories, Mayo Clinic
Classification: Pathogenic. Last evaluated: 2025-10-06. Review status: criteria provided, single submitter. Criteria: ACMG Guidelines, 2015. Collection method: clinical testing. Allele origin: germline. Observed: 1 variant allele.
Comment: PP3_very_strong, PM2_supporting, PM3, PM5

Women's Health and Genetics/Laboratory Corporation of America, LabCorp
Classification: Pathogenic for Phenylketonuria. Last evaluated: 2024-05-15. Review status: criteria provided, single submitter. Criteria: LabCorp Variant Classification Summary - May 2015. Collection method: clinical testing. Allele origin: germline.
Comment: Variant summary: PAH c.926C>A (p.Ala309Asp) results in a non-conservative amino acid change located in the Aromatic amino acid hydroxylase, C-terminal of the encoded protein sequence. Five of five in-silico tools predict a damaging effect of the variant on protein function. The variant allele was found at a frequency of 4e-06 in 251284 control chromosomes. c.926C>A has been reported in the literature in multiple compound heterozygous individuals affected with Phenylalanine Hydroxylase Deficiency (Phenylketonuria). These data indicate that the variant is likely to be associated with disease. A different variant affecting the same codon has been classified as pathogenic by our lab (c.926C>T, p.A309V), supporting the critical relevance of codon 309 to PAH protein function. To our knowledge, no experimental evidence demonstrating an impact on protein function has been reported. The following publications have been ascertained in the context of this evaluation (PMID: 25456745, 7913581, 23430918, 16256386). ClinVar contains an entry for this variant (Variation ID: 102897). Based on the evidence outlined above, the variant was classified as pathogenic.

Natera, Inc.
Classification: Pathogenic for Phenylketonuria. Last evaluated: 2024-02-29. Review status: criteria provided, single submitter. Criteria: Natera Variant Classification Schema (03/2026). Collection method: clinical testing. Allele origin: germline.
Comment: The c.926C>A variant in PAH is a missense variant predicted to cause substitution of alanine to aspartic acid at amino acid 309. This variant is rare in the general population with a frequency below the threshold expected for the associated phenotype(s). This variant has been observed in one or more individuals affected with the associated recessive disease, as either homozygous or compound heterozygous with a second variant (PMID: 7913581, 23430918, 25456745, 30159852). A different variant at the same position has been determined to be Pathogenic or Likely Pathogenic. Computational prediction algorithms indicate this variant is likely to affect gene or protein function. Given the available evidence, this variant is classified as Pathogenic.

Labcorp Genetics (formerly Invitae), Labcorp
Classification: Pathogenic for Phenylketonuria. Last evaluated: 2023-09-27. Review status: criteria provided, single submitter. Criteria: Invitae Variant Classification Sherloc (09022015). Collection method: clinical testing. Allele origin: germline.
Comment: For these reasons, this variant has been classified as Pathogenic. This variant disrupts the p.Ala309 amino acid residue in PAH. Other variant(s) that disrupt this residue have been determined to be pathogenic (PMID: 12655546, 15459954, 16504182, 21871829, 26666653, 27121329). This suggests that this residue is clinically significant, and that variants that disrupt this residue are likely to be disease-causing. Advanced modeling of protein sequence and biophysical properties (such as structural, functional, and spatial information, amino acid conservation, physicochemical variation, residue mobility, and thermodynamic stability) performed at Invitae indicates that this missense variant is expected to disrupt PAH protein function. ClinVar contains an entry for this variant (Variation ID: 102897). This missense change has been observed in individual(s) with PKU (PMID: 7913581, 16256386, 23430918; Invitae). This variant is present in population databases (rs62642935, gnomAD 0.0009%). This sequence change replaces alanine, which is neutral and non-polar, with aspartic acid, which is acidic and polar, at codon 309 of the PAH protein (p.Ala309Asp).

Blueprint Genetics
Classification: Pathogenic for PAH-related disorders. Last evaluated: 2020-01-23. Review status: criteria provided, single submitter. Criteria: ACMG Guidelines, 2015. Collection method: clinical testing. Allele origin: germline. Affected: yes. Observed: 1 variant allele.

Counsyl
Classification: Likely pathogenic for Phenylketonuria. Last evaluated: 2017-07-14. Review status: no assertion criteria provided. Collection method: clinical testing. Allele origin: unknown. Not counted in ClinVar's aggregate classification.

DeBelle Laboratory for Biochemical Genetics, MUHC/MCH RESEARCH INSTITUTE
No classification provided. Review status: no classification provided. Collection method: not provided. Allele origin: not provided. Not counted in ClinVar's aggregate classification.

Literature cited by the submitters: PubMed 15459954 (cited by Mayo Clinic Laboratories, Mayo Clinic and Labcorp Genetics (formerly Invitae), Labcorp); PubMed 16256386 (cited by 4 submitters); PubMed 21871829 (cited by Mayo Clinic Laboratories, Mayo Clinic and Labcorp Genetics (formerly Invitae), Labcorp); PubMed 23430918 (cited by 5 submitters); PubMed 26542770 (cited by Mayo Clinic Laboratories, Mayo Clinic); PubMed 27121329 (cited by Mayo Clinic Laboratories, Mayo Clinic and Labcorp Genetics (formerly Invitae), Labcorp); PubMed 29997390 (cited by Mayo Clinic Laboratories, Mayo Clinic); PubMed 7913581 (cited by 4 submitters); PubMed 25456745 (cited by Women's Health and Genetics/Laboratory Corporation of America, LabCorp and Natera, Inc.); PubMed 30159852 (cited by Natera, Inc.); PubMed 12655546 (cited by Labcorp Genetics (formerly Invitae), Labcorp); PubMed 16504182 (cited by Labcorp Genetics (formerly Invitae), Labcorp); PubMed 26666653 (cited by Labcorp Genetics (formerly Invitae), Labcorp); PubMed 9781015 (cited by Counsyl); PubMed 10679941 (cited by Counsyl); PubMed 18590700 (cited by Counsyl); PubMed 10685924 (cited by Counsyl).

NM_000277.3(PAH):c.926C>A (p.Ala309Asp)

Gene: PAH (phenylalanine hydroxylase; minus strand). Cytogenetic location: 12q23.2.
Variant type: single nucleotide variant.
Coding change: c.926C>A on transcript NM_000277.3 (MANE Select); coding-DNA position 926, C replaced by A.
Protein change: p.Ala309Asp; replaces alanine 309 with aspartic acid.
Molecular consequence: missense variant.
Genome position (GRCh38, 1-based): chr12:102,846,938, G>T on the plus strand (C>A on the coding strand, the complement: PAH is on the minus strand). VCF-style: chr12-102846938-G-T. GRCh37 (hg19) VCF-style: chr12-103240716-G-T.
Other names: c.926C>A, p.Ala309Asp (NM_001354304.2); c.926C>A (NM_000277.2); short protein forms A309D.
Identifiers: ClinVar variation 102897 (VCV000102897.15), dbSNP rs62642935, ClinGen allele CA229853.